The following is an entry in ClinVar:

NM_006466.4(POLR3F):c.872C>T (p.Pro291Leu)

Gene: POLR3F (RNA polymerase III subunit F; plus strand). Cytogenetic location: 20p11.23.
Variant type: single nucleotide variant.
Coding change: c.872C>T on transcript NM_006466.4 (MANE Select); coding-DNA position 872, C replaced by T.
Protein change: p.Pro291Leu; replaces proline 291 with leucine.
Molecular consequence: missense variant. On other transcripts: non-coding transcript variant (1).
Genome position (GRCh38, 1-based): chr20:18,481,809, C>T. VCF-style: chr20-18481809-C-T. GRCh37 (hg19) VCF-style: chr20-18462453-C-T.
Other names: c.749C>T, p.Pro250Leu (NM_001282526.2); c.728C>T, p.Pro243Leu (NM_001410821.1); short protein forms P243L, P250L, P291L.
Identifiers: ClinVar variation 2385812 (VCV002385812.5), dbSNP rs571620928, ClinGen allele CA9777621.

ClinVar aggregate classification (germline): Uncertain significance. Review status: criteria provided, multiple submitters, no conflicts (2 of 4 stars). 2 submissions from 2 submitters: Uncertain significance (2). Last evaluated 2024-04-15.

Allele frequency attached by ClinVar (database versions not stated): TOPMed 0.00003; ExAC 0.00004; 1000 Genomes Project 0.00020; 1000 Genomes Project 30x 0.00031.
gnomAD v4.1: 32 of 1,605,594 alleles (0.002%); highest among the groups gnomAD compares: Admixed American, 0.0084%; no homozygotes.

Submissions (2):

Labcorp Genetics (formerly Invitae), Labcorp
Classification: Uncertain significance. Last evaluated: 2024-04-15. Review status: criteria provided, single submitter. Criteria: Invitae Variant Classification Sherloc (09022015). Collection method: clinical testing. Allele origin: germline.
Comment: This sequence change replaces proline, which is neutral and non-polar, with leucine, which is neutral and non-polar, at codon 250 of the POLR3F protein (p.Pro250Leu). This variant is present in population databases (rs571620928, gnomAD 0.01%). This variant has not been reported in the literature in individuals affected with POLR3F-related conditions. ClinVar contains an entry for this variant (Variation ID: 2385812). Experimental studies and prediction algorithms are not available or were not evaluated, and the functional significance of this variant is currently unknown. In summary, the available evidence is currently insufficient to determine the role of this variant in disease. Therefore, it has been classified as a Variant of Uncertain Significance.

Ambry Genetics
Classification: Uncertain significance. Last evaluated: 2021-07-06. Review status: criteria provided, single submitter. Criteria: Ambry Variant Classification Scheme 2023. Collection method: clinical testing. Allele origin: germline.